The following is an entry in ClinVar:

ClinVar aggregate classification (germline): Likely benign (1 of 4 stars; one submission).

Allele frequency attached by ClinVar (database versions not stated): TOPMed 0.00042; gnomAD 0.00052; ExAC 0.00057; ESP Exome Variant Server 0.00062.
gnomAD v4.1: 1,443 of 1,614,246 alleles (0.089%); highest among the groups gnomAD compares: Non-Finnish European, 0.11%; 1 homozygote.

Submission:

CeGaT Center for Human Genetics Tuebingen
Classification: Likely benign. Last evaluated: 2023-01-01. Review status: criteria provided, single submitter. Criteria: CeGaT Center For Human Genetics Tuebingen Variant Classification Criteria Version 2. Collection method: clinical testing. Allele origin: germline. Affected: yes. Observed: 1 variant allele.
Comment: ZNF416: BP4, BP7

NM_017879.3(ZNF416):c.567G>A (p.Pro189=)

Gene: ZNF416 (zinc finger protein 416; minus strand). Cytogenetic location: 19q13.43.
Variant type: single nucleotide variant.
Coding change: c.567G>A on transcript NM_017879.3 (MANE Select); coding-DNA position 567, G replaced by A.
Protein change: p.Pro189=; no amino-acid change (proline 189 retained).
Molecular consequence: synonymous variant.
Genome position (GRCh38, 1-based): chr19:57,573,337, C>T on the plus strand (G>A on the coding strand, the complement: ZNF416 is on the minus strand). VCF-style: chr19-57573337-C-T. GRCh37 (hg19) VCF-style: chr19-58084705-C-T.
Other names: c.351G>A, p.Pro117= (NM_001353405.2).
Identifiers: ClinVar variation 2650574 (VCV002650574.24), dbSNP rs141508737, ClinGen allele CA9701975.